The following is an entry in ClinVar:

ClinVar aggregate classification (germline): Uncertain significance. Review status: criteria provided, multiple submitters, no conflicts (2 of 4 stars). 3 submissions from 3 submitters: Uncertain significance (3). Last evaluated 2026-04-17.

Conditions:
CFTR-related disorder (CFTR-RD). Also called: CFTR-related disorders; CFTR-related condition. Identifiers: MedGen C5924204, MONDO:7770004.
Cystic fibrosis (CF). Also called: MUCOVISCIDOSIS. Identifiers: Orphanet 586, MedGen C0010674, MONDO:0009061, OMIM 219700. Disease mechanism: loss of function.

Allele frequency attached by ClinVar (database versions not stated): gnomAD 0.00001; gnomAD exomes 0.00001.
gnomAD v4.1: 12 of 1,613,030 alleles (0.00074%); highest among the groups gnomAD compares: Non-Finnish European, 0.001%; no homozygotes.

Submissions (3):

PreventionGenetics, part of Exact Sciences
Classification: Uncertain significance for CFTR-related condition. Last evaluated: 2026-04-17. Review status: criteria provided, single submitter. Criteria: ACMG Guidelines, 2015. Collection method: clinical testing. Allele origin: germline.
Comment: The CFTR c.3488T>G variant is predicted to result in the amino acid substitution p.Val1163Gly. To our knowledge, this variant has not been reported in the literature. This variant is reported in 0.0065% of alleles in individuals of European (Non-Finnish) descent in gnomAD. At this time, the clinical significance of this variant is uncertain due to the absence of conclusive functional and genetic evidence.

Ambry Genetics
Classification: Uncertain significance for Cystic fibrosis. Last evaluated: 2024-12-13. Review status: criteria provided, single submitter. Criteria: Ambry Variant Classification Scheme 2023. Collection method: clinical testing. Allele origin: germline.
Comment: The p.V1163G variant (also known as c.3488T>G), located in coding exon 22 of the CFTR gene, results from a T to G substitution at nucleotide position 3488. The valine at codon 1163 is replaced by glycine, an amino acid with dissimilar properties. This amino acid position is well conserved in available vertebrate species. In addition, this alteration is predicted to be deleterious by in silico analysis. Based on the available evidence, the clinical significance of this variant remains unclear.

Labcorp Genetics (formerly Invitae), Labcorp
Classification: Uncertain significance for Cystic fibrosis. Last evaluated: 2023-11-28. Review status: criteria provided, single submitter. Criteria: Invitae Variant Classification Sherloc (09022015). Collection method: clinical testing. Allele origin: germline.
Comment: This sequence change replaces valine, which is neutral and non-polar, with glycine, which is neutral and non-polar, at codon 1163 of the CFTR protein (p.Val1163Gly). This variant is present in population databases (rs776696255, gnomAD 0.007%). This variant has not been reported in the literature in individuals affected with CFTR-related conditions. ClinVar contains an entry for this variant (Variation ID: 1504796). Advanced modeling of protein sequence and biophysical properties (such as structural, functional, and spatial information, amino acid conservation, physicochemical variation, residue mobility, and thermodynamic stability) performed at Invitae indicates that this missense variant is expected to disrupt CFTR protein function with a positive predictive value of 80%. In summary, the available evidence is currently insufficient to determine the role of this variant in disease. Therefore, it has been classified as a Variant of Uncertain Significance.

NM_000492.4(CFTR):c.3488T>G (p.Val1163Gly)

Genes: CFTR (CF transmembrane conductance regulator; plus strand), CFTR-AS2 (CFTR antisense RNA 2; minus strand). Cytogenetic location: 7q31.2.
Variant type: single nucleotide variant.
Coding change: c.3488T>G on transcript NM_000492.4 (MANE Select); coding-DNA position 3488, T replaced by G.
Protein change: p.Val1163Gly; replaces valine 1163 with glycine.
Molecular consequence: missense variant.
Genome position (GRCh38, 1-based): chr7:117,627,541, T>G. VCF-style: chr7-117627541-T-G. GRCh37 (hg19) VCF-style: chr7-117267595-T-G.
Other names: short protein forms V1163G.
Identifiers: ClinVar variation 1504796 (VCV001504796.10), dbSNP rs776696255, ClinGen allele CA164976470.